The following is an entry in ClinVar:

NM_001330260.2(SCN8A):c.1926G>A (p.Thr642=)

Gene: SCN8A (sodium voltage-gated channel alpha subunit 8; plus strand). Cytogenetic location: 12q13.13.
Variant type: single nucleotide variant.
Coding change: c.1926G>A on transcript NM_001330260.2 (MANE Select); coding-DNA position 1926, G replaced by A.
Protein change: p.Thr642=; no amino-acid change (threonine 642 retained).
Molecular consequence: synonymous variant.
Genome position (GRCh38, 1-based): chr12:51,721,836, G>A. VCF-style: chr12-51721836-G-A. GRCh37 (hg19) VCF-style: chr12-52115620-G-A.
Other names: c.1926G>A, p.Thr642= (NM_001177984.3, NM_001369788.1, NM_014191.4).
Identifiers: ClinVar variation 1593018 (VCV001593018.26), dbSNP rs768639779, ClinGen allele CA6571362.

ClinVar aggregate classification (germline): Likely benign. Review status: criteria provided, multiple submitters, no conflicts (2 of 4 stars). 2 submissions from 2 submitters: Likely benign (2). Last evaluated 2025-03-01.

Conditions:
Early-infantile DEE. Also called: Early infantile epileptic encephalopathy; Ohtahara syndrome; Early infantile epileptic encephalopathy with suppression bursts. Identifiers: Orphanet 1934, MedGen C0393706, MONDO:0800491.

Allele frequency attached by ClinVar (database versions not stated): ExAC 0.00001; gnomAD exomes 0.00001.
gnomAD v4.1: 18 of 1,605,444 alleles (0.0011%); highest among the groups gnomAD compares: Middle Eastern, 0.016%; no homozygotes.

Submissions (2):

Labcorp Genetics (formerly Invitae), Labcorp
Classification: Likely benign for Early-infantile DEE. Last evaluated: 2025-03-01. Review status: criteria provided, single submitter. Criteria: Invitae Variant Classification Sherloc (09022015). Collection method: clinical testing. Allele origin: germline.

CeGaT Center for Human Genetics Tuebingen
Classification: Likely benign. Last evaluated: 2024-07-01. Review status: criteria provided, single submitter. Criteria: CeGaT Center For Human Genetics Tuebingen Variant Classification Criteria Version 2. Collection method: clinical testing. Allele origin: germline. Affected: yes. Observed: 2 variant alleles.
Comment: SCN8A: BP4, BP7